The following is an entry in ClinVar:

ClinVar aggregate classification (germline): Pathogenic (1 of 4 stars; one submission).

Allele frequency attached by ClinVar (database versions not stated): TOPMed 0.00001.

Submission:

Labcorp Genetics (formerly Invitae), Labcorp
Classification: Pathogenic. Last evaluated: 2025-03-01. Review status: criteria provided, single submitter. Criteria: Invitae Variant Classification Sherloc (09022015). Collection method: clinical testing. Allele origin: germline.
Comment: This sequence change creates a premature translational stop signal (p.Asp492Alafs*68) in the FLAD1 gene. While this is not anticipated to result in nonsense mediated decay, it is expected to disrupt the last 96 amino acid(s) of the FLAD1 protein. This variant is not present in population databases (gnomAD no frequency). This variant has not been reported in the literature in individuals affected with FLAD1-related conditions. ClinVar contains an entry for this variant (Variation ID: 2064507). This variant disrupts a region of the FLAD1 protein in which other variant(s) (p.Arg530Cys) have been determined to be pathogenic (PMID: 27259049, 31392824). This suggests that this is a clinically significant region of the protein, and that variants that disrupt it are likely to be disease-causing. For these reasons, this variant has been classified as Pathogenic.

Literature cited by the submitters: PubMed 27259049; PubMed 31392824.

NM_025207.5(FLAD1):c.1475del (p.Asp492fs)

Gene: FLAD1 (flavin adenine dinucleotide synthetase 1; plus strand). Cytogenetic location: 1q21.3.
Variant type: Deletion.
Coding change: c.1475del on transcript NM_025207.5 (MANE Select); coding-DNA position 1475, one base deleted (A; older notation c.1475delA).
Protein change: p.Asp492fs; shifts the reading frame from aspartic acid 492.
Molecular consequence: frameshift variant.
Genome position (GRCh38, 1-based): chr1:154,990,449, A deleted. VCF-style (leftmost placement, unchanged base first): chr1-154990448-GA-G. GRCh37 (hg19) VCF-style: chr1-154962924-GA-G.
Other names: c.1184del, p.Asp395fs (NM_001184891.2, NM_201398.3); short protein forms D492fs, D395fs.
Identifiers: ClinVar variation 2064507 (VCV002064507.4), dbSNP rs1657810994, ClinGen allele CA2481097827.